The following is an entry in ClinVar:

ClinVar aggregate classification (germline): Uncertain significance (1 of 4 stars; one submission).

Allele frequency attached by ClinVar (database versions not stated): gnomAD exomes below 0.00001; TOPMed below 0.00001; ExAC 0.00001.
gnomAD v4.1: 2 of 1,614,120 alleles (0.00012%); highest among the groups gnomAD compares: East Asian, 0.0045%; no homozygotes.

Submission:

Labcorp Genetics (formerly Invitae), Labcorp
Classification: Uncertain significance. Last evaluated: 2022-08-07. Review status: criteria provided, single submitter. Criteria: Invitae Variant Classification Sherloc (09022015). Collection method: clinical testing. Allele origin: germline.
Comment: This variant has not been reported in the literature in individuals affected with BACH2-related conditions. This sequence change replaces cysteine, which is neutral and slightly polar, with serine, which is neutral and polar, at codon 292 of the BACH2 protein (p.Cys292Ser). This variant is present in population databases (rs770965880, gnomAD 0.02%). Algorithms developed to predict the effect of missense changes on protein structure and function are either unavailable or do not agree on the potential impact of this missense change (SIFT: "Deleterious"; PolyPhen-2: "Probably Damaging"; Align-GVGD: "Class C0"). In summary, the available evidence is currently insufficient to determine the role of this variant in disease. Therefore, it has been classified as a Variant of Uncertain Significance.

NM_021813.4(BACH2):c.875G>C (p.Cys292Ser)

Gene: BACH2 (BACH transcriptional regulator 2; minus strand). Cytogenetic location: 6q15.
Variant type: single nucleotide variant.
Coding change: c.875G>C on transcript NM_021813.4 (MANE Select); coding-DNA position 875, G replaced by C.
Protein change: p.Cys292Ser; replaces cysteine 292 with serine.
Molecular consequence: missense variant.
Genome position (GRCh38, 1-based): chr6:89,951,231, C>G on the plus strand (G>C on the coding strand, the complement: BACH2 is on the minus strand). VCF-style: chr6-89951231-C-G. GRCh37 (hg19) VCF-style: chr6-90660950-C-G.
Other names: c.875G>C, p.Cys292Ser (NM_001170794.2); short protein forms C292S.
Identifiers: ClinVar variation 1715606 (VCV001715606.5), dbSNP rs770965880, ClinGen allele CA3928091.